The following is an entry in ClinVar:

NM_054012.4(ASS1):c.469C>T (p.Arg157Cys)

Gene: ASS1 (argininosuccinate synthase 1; plus strand). Cytogenetic location: 9q34.11.
Variant type: single nucleotide variant.
Coding change: c.469C>T on transcript NM_054012.4 (MANE Select); coding-DNA position 469, C replaced by T.
Protein change: p.Arg157Cys; replaces arginine 157 with cysteine.
Molecular consequence: missense variant.
Genome position (GRCh38, 1-based): chr9:130,466,773, C>T. VCF-style: chr9-130466773-C-T. GRCh37 (hg19) VCF-style: chr9-133342160-C-T.
Other names: c.469C>T, p.Arg157Cys (NM_000050.4); short protein forms R157C.
Identifiers: ClinVar variation 813408 (VCV000813408.16), dbSNP rs770585183, ClinGen allele CA5283296.

ClinVar aggregate classification (germline): Pathogenic. Review status: criteria provided, multiple submitters, no conflicts (2 of 4 stars). 2 submissions from 2 submitters: Pathogenic (2). Last evaluated 2026-01-14.

Conditions:
Citrullinemia. Identifiers: Orphanet 187, MedGen C0175683, MONDO:0015991.
Citrullinemia type I (CTNL1). Also called: argininosuccinate synthetase deficiency; ASS DEFICIENCY. Identifiers: Orphanet 247525, MedGen C4721769, MONDO:0008988, OMIM 215700.

Allele frequency attached by ClinVar (database versions not stated): ExAC 0.00002; gnomAD exomes 0.00002; gnomAD 0.00004.

Submissions (2):

Natera, Inc.
Classification: Pathogenic for Citrullinemia type I. Last evaluated: 2026-01-14. Review status: criteria provided, single submitter. Criteria: Natera Variant Classification Schema (03/2026). Collection method: clinical testing. Allele origin: germline.
Comment: The c.469C>T variant in ASS1 is a missense variant predicted to cause substitution of arginine to cysteine at amino acid 157. This variant is rare in the general population with a frequency below the threshold expected for the associated phenotype(s). This variant has been observed in one or more individuals affected with the associated recessive disease, as either homozygous or compound heterozygous with a second variant (PMID: 12815590, 27287393). A different variant at the same position has been determined to be Pathogenic or Likely Pathogenic. Computational prediction algorithms indicate this variant is likely to affect gene or protein function. Given the available evidence, this variant is classified as Pathogenic.

Labcorp Genetics (formerly Invitae), Labcorp
Classification: Pathogenic for Citrullinemia. Last evaluated: 2025-08-14. Review status: criteria provided, single submitter. Criteria: Invitae Variant Classification Sherloc (09022015). Collection method: clinical testing. Allele origin: germline.
Comment: This sequence change replaces arginine, which is basic and polar, with cysteine, which is neutral and slightly polar, at codon 157 of the ASS1 protein (p.Arg157Cys). This variant is present in population databases (rs770585183, gnomAD 0.004%). This missense change has been observed in individual(s) with citrullinemia type 1 (PMID: 12815590, 24889030, 27287393). ClinVar contains an entry for this variant (Variation ID: 813408). Invitae Evidence Modeling of protein sequence and biophysical properties (such as structural, functional, and spatial information, amino acid conservation, physicochemical variation, residue mobility, and thermodynamic stability) indicates that this missense variant is expected to disrupt ASS1 protein function with a positive predictive value of 80%. Experimental studies have shown that this missense change affects ASS1 function (PMID: 27287393). This variant disrupts the p.Arg157 amino acid residue in ASS1. Other variant(s) that disrupt this residue have been determined to be pathogenic (PMID: 8792870, 27287393). This suggests that this residue is clinically significant, and that variants that disrupt this residue are likely to be disease-causing. For these reasons, this variant has been classified as Pathogenic.

Literature cited by the submitters: PubMed 12815590 (cited by Natera, Inc. and Labcorp Genetics (formerly Invitae), Labcorp); PubMed 27287393 (cited by Natera, Inc. and Labcorp Genetics (formerly Invitae), Labcorp); PubMed 24889030 (cited by Labcorp Genetics (formerly Invitae), Labcorp); PubMed 8792870 (cited by Labcorp Genetics (formerly Invitae), Labcorp).